The following is an entry in ClinVar:

ClinVar aggregate classification (germline): Pathogenic/Likely pathogenic. Review status: criteria provided, multiple submitters, no conflicts (2 of 4 stars). 5 submissions from 5 submitters: Pathogenic (1); Likely pathogenic (3). 1 of the submissions does not count toward it. Last evaluated 2025-02-21.

Conditions:
Spastic paraplegia. Identifiers: MedGen C0037772, HP:0001258.
Charlevoix-Saguenay spastic ataxia (SACS). Also called: AUTOSOMAL RECESSIVE SPASTIC ATAXIA OF CHARLEVOIX-SAGUENAY; SPASTIC ATAXIA 6, AUTOSOMAL RECESSIVE; Spastic ataxia of Charlevoix-Saguenay. Identifiers: Orphanet 98, MedGen C1849140, MONDO:0010041, OMIM 270550.

Allele frequency attached by ClinVar (database versions not stated): gnomAD exomes below 0.00001; TOPMed below 0.00001; ExAC 0.00001.
gnomAD v4.1: 5 of 1,614,004 alleles (0.00031%); highest among the groups gnomAD compares: Non-Finnish European, 0.00042%; no homozygotes.

Submissions (5):

Natera, Inc.
Classification: Likely pathogenic for Charlevoix-Saguenay type spastic ataxia. Last evaluated: 2025-02-21. Review status: criteria provided, single submitter. Criteria: Natera Variant Classification Schema (03/2026). Collection method: clinical testing. Allele origin: germline.
Comment: The c.8107C>T variant in SACS is a missense variant predicted to cause substitution of arginine to cysteine at amino acid 2703. This variant is rare in the general population with a frequency below the threshold expected for the associated phenotype(s). This variant has been observed in one or more individuals affected with the associated recessive disease, as either homozygous or compound heterozygous with a second variant (PMID: 26288984). This variant has been observed to segregate in affected family members (PMID: 16007637). A different variant at the same position has been determined to be Pathogenic or Likely Pathogenic. Computational prediction algorithms indicate this variant is likely to affect gene or protein function. Given the available evidence, this variant is classified as Likely Pathogenic.

Baylor Genetics
Classification: Likely pathogenic for Charlevoix-Saguenay spastic ataxia. Last evaluated: 2023-08-15. Review status: criteria provided, single submitter. Criteria: ACMG Guidelines, 2015. Collection method: clinical testing. Allele origin: unknown.

Labcorp Genetics (formerly Invitae), Labcorp
Classification: Pathogenic for Spastic paraplegia. Last evaluated: 2020-12-23. Review status: criteria provided, single submitter. Criteria: Invitae Variant Classification Sherloc (09022015). Collection method: clinical testing. Allele origin: germline.
Comment: Advanced modeling of protein sequence and biophysical properties (such as structural, functional, and spatial information, amino acid conservation, physicochemical variation, residue mobility, and thermodynamic stability) performed at Invitae indicates that this missense variant is expected to disrupt SACS protein function. For these reasons, this variant has been classified as Pathogenic. This variant disrupts the p.Arg2703 amino acid residue in SACS. Other variant(s) that disrupt this residue have been observed in individuals with SACS-related conditions (PMID: 26288984), which suggests that this may be a clinically significant amino acid residue. This variant has been observed in individual(s) with clinical features of autosomal recessive spastic ataxia of Charlevoix-Saguenay (ARSACS) (PMID: 16007637, 29277257). It has also been observed to segregate with disease in related individuals. This variant is also known as R2556C in the literature. This variant is present in population databases (rs780332615, ExAC 0.002%). This sequence change replaces arginine with cysteine at codon 2703 of the SACS protein (p.Arg2703Cys). The arginine residue is moderately conserved and there is a large physicochemical difference between arginine and cysteine.

Juno Genomics, Hangzhou Juno Genomics, Inc
Classification: Likely pathogenic for Charlevoix-Saguenay spastic ataxia. Review status: criteria provided, single submitter. Criteria: ACMG Guidelines, 2015. Collection method: clinical testing. Allele origin: germline.
Comment: Absent from controls (or at extremely low frequency if recessive) in Genome Aggregation Database.;Multiple lines of computational evidence support a deleterious effect on the gene or gene product.;For recessive disorders, detected in trans with a pathogenic variant.;Patient's phenotype or family history is highly specific for a disease with a single genetic etiology.

Next Generation Genetic Polyclinic
Classification: Likely pathogenic for Charlevoix-Saguenay spastic ataxia. Review status: no assertion criteria provided. Collection method: clinical testing. Allele origin: inherited. Affected: yes. Not counted in ClinVar's aggregate classification.

Literature cited by the submitters: PubMed 26288984 (cited by Natera, Inc. and Labcorp Genetics (formerly Invitae), Labcorp); PubMed 16007637 (cited by Natera, Inc. and Labcorp Genetics (formerly Invitae), Labcorp); PubMed 29277257 (cited by Labcorp Genetics (formerly Invitae), Labcorp).

NM_014363.6(SACS):c.8107C>T (p.Arg2703Cys)

Gene: SACS (sacsin molecular chaperone; minus strand). Cytogenetic location: 13q12.12.
Variant type: single nucleotide variant.
Coding change: c.8107C>T on transcript NM_014363.6 (MANE Select); coding-DNA position 8107, C replaced by T.
Protein change: p.Arg2703Cys; replaces arginine 2703 with cysteine.
Molecular consequence: missense variant.
Genome position (GRCh38, 1-based): chr13:23,335,769, G>A on the plus strand (C>T on the coding strand, the complement: SACS is on the minus strand). VCF-style: chr13-23335769-G-A. GRCh37 (hg19) VCF-style: chr13-23909908-G-A.
Other names: c.7666C>T, p.Arg2556Cys (NM_001278055.2); c.8107C>T (NM_014363.5); short protein forms R2556C, R2703C.
Identifiers: ClinVar variation 1458362 (VCV001458362.13), dbSNP rs780332615, ClinGen allele CA6910822.